The following is an entry in ClinVar:

ClinVar aggregate classification (germline): Uncertain significance. Review status: criteria provided, multiple submitters, no conflicts (2 of 4 stars). 2 submissions from 2 submitters: Uncertain significance (2). Last evaluated 2024-02-09.

Conditions:
Congenital anomaly of kidney and urinary tract. Also called: Congenital anomalies of the kidney and urinary tract; Congenital anomalies of kidney and urinary tract. Identifiers: Orphanet 93545, MedGen C1968949, MeSH C566906, MONDO:0019719.
Vesicoureteral reflux 2 (VUR2). Identifiers: Orphanet 289365, MedGen C1970483, MONDO:0012573, OMIM 610878.

Allele frequency attached by ClinVar (database versions not stated): TOPMed 0.00001; ExAC 0.00002; gnomAD exomes 0.00002.
gnomAD v4.1: 22 of 1,613,344 alleles (0.0014%); highest among the groups gnomAD compares: Non-Finnish European, 0.0019%; no homozygotes.

Submissions (2):

Fulgent Genetics
Classification: Uncertain significance for Vesicoureteral reflux 2. Last evaluated: 2024-02-09. Review status: criteria provided, single submitter. Criteria: ACMG Guidelines, 2015. Collection method: clinical testing. Allele origin: germline.

Institute of Human Genetics, University of Leipzig Medical Center
Classification: Uncertain significance for Congenital anomaly of kidney and urinary tract. Last evaluated: 2021-01-09. Review status: criteria provided, single submitter. Criteria: ACMG Guidelines, 2015. Collection method: curation. Allele origin: germline. Inheritance: Autosomal dominant inheritance. Affected: yes.
Comment: This ROBO2 variant was reported as Uncertain Significance in PMID: 23536131 with original nomenclature reported as c.1564 C-A p.Pro522Thr. Variant was re-classified as Uncertain Significance based on the criteria PP3_Supporting, BS2_Moderate.

Literature cited by the submitters: PubMed 23536131 (cited by Institute of Human Genetics, University of Leipzig Medical Center).

NM_001395656.1(ROBO2):c.1576C>A (p.Pro526Thr)

Gene: ROBO2 (roundabout guidance receptor 2; plus strand). Cytogenetic location: 3p12.3.
Variant type: single nucleotide variant.
Coding change: c.1576C>A on transcript NM_001395656.1 (MANE Select); coding-DNA position 1576, C replaced by A.
Protein change: p.Pro526Thr; replaces proline 526 with threonine.
Molecular consequence: missense variant. On other transcripts: 5 prime UTR variant (1).
Genome position (GRCh38, 1-based): chr3:77,563,211, C>A. VCF-style: chr3-77563211-C-A. GRCh37 (hg19) VCF-style: chr3-77612362-C-A.
Other names: c.1612C>A, p.Pro538Thr (NM_001128929.3); c.1576C>A, p.Pro526Thr (NM_001290039.2, NM_001290040.2, NM_001378202.1); c.-355C>A (NM_001290065.2); c.1624C>A, p.Pro542Thr (NM_001378190.1, NM_001378191.1, NM_001378195.1 and 4 more transcripts); c.1645C>A, p.Pro549Thr (NM_001378192.1, NM_001378194.1, NM_001378198.1 and 2 more transcripts); c.1564C>A, p.Pro522Thr (NM_001378193.1, NM_001378197.1, NM_002942.5); c.1633C>A, p.Pro545Thr (NM_001394212.1, NM_001394214.1, NM_001395657.1); short protein forms P522T, P526T, P538T, P542T, P549T, P545T.
Identifiers: ClinVar variation 995964 (VCV000995964.3), dbSNP rs750974106, ClinGen allele CA2497098.